The following is an entry in ClinVar:

NM_024334.3(TMEM43):c.424G>A (p.Glu142Lys)

Gene: TMEM43 (transmembrane protein 43; plus strand). Cytogenetic location: 3p25.1.
Variant type: single nucleotide variant.
Coding change: c.424G>A on transcript NM_024334.3 (MANE Select); coding-DNA position 424, G replaced by A.
Protein change: p.Glu142Lys; replaces glutamic acid 142 with lysine.
Molecular consequence: missense variant.
Genome position (GRCh38, 1-based): chr3:14,132,577, G>A. VCF-style: chr3-14132577-G-A. GRCh37 (hg19) VCF-style: chr3-14174077-G-A.
Other names: p.E142K:GAG>AAG; short protein forms E142K.
Identifiers: ClinVar variation 46147 (VCV000046147.51), dbSNP rs145619906, ClinGen allele CA024684.

ClinVar aggregate classification (germline): Conflicting classifications of pathogenicity. Review status: criteria provided, conflicting classifications (1 of 4 stars). 17 submissions from 17 submitters: Uncertain significance (2); Likely benign (9). 6 of the submissions do not count toward it. Last evaluated 2026-06-01.

Conditions:
TMEM43-related disorder. Also called: TMEM43-related condition.
Cardiovascular phenotype. Identifiers: MedGen CN230736.
Cardiomyopathy (CMYO). Also called: Cardiomyopathies. Identifiers: Orphanet 167848, MedGen C0878544, MONDO:0004994, HP:0001638. Inheritance: Various modes of inheritance.
Arrhythmogenic right ventricular dysplasia 5. Also called: Arrhythmogenic Right Ventricular Dysplasia/Cardiomyopathy 5; ARRHYTHMOGENIC RIGHT VENTRICULAR DYSPLASIA, FAMILIAL, 5. Identifiers: MedGen C1858379, MONDO:0011459, OMIM 604400.

Allele frequency attached by ClinVar (database versions not stated): ExAC 0.00049; 1000 Genomes Project 30x 0.00062; gnomAD 0.00069 and 0.00070; TOPMed 0.00071; 1000 Genomes Project 0.00080; ESP Exome Variant Server 0.00131.
gnomAD v4.1: 1,697 of 1,614,138 alleles (0.11%); highest among the groups gnomAD compares: Non-Finnish European, 0.13%; no homozygotes.

Submissions (17):

CeGaT Center for Human Genetics Tuebingen
Classification: Likely benign. Last evaluated: 2026-06-01. Review status: criteria provided, single submitter. Criteria: CeGaT Center For Human Genetics Tuebingen Variant Classification Criteria Version 2. Collection method: clinical testing. Allele origin: germline. Affected: yes. Observed: 2 variant alleles.
Comment: TMEM43: BS1

Labcorp Genetics (formerly Invitae), Labcorp
Classification: Likely benign for Arrhythmogenic right ventricular dysplasia 5. Last evaluated: 2026-02-03. Review status: criteria provided, single submitter. Criteria: Invitae Variant Classification Sherloc (09022015). Collection method: clinical testing. Allele origin: germline.

Women's Health and Genetics/Laboratory Corporation of America, LabCorp
Classification: Likely benign. Last evaluated: 2025-09-08. Review status: criteria provided, single submitter. Criteria: LabCorp Variant Classification Summary - May 2015. Collection method: clinical testing. Allele origin: germline.
Comment: Variant summary: TMEM43 c.424G>A (p.Glu142Lys) results in a conservative amino acid change in the encoded protein sequence. Algorithms developed to predict the effect of missense changes on protein structure and function are either unavailable or do not agree on the potential impact of this missense change. The variant allele was found at a frequency of 0.00055 in 251372 control chromosomes, predominantly at a frequency of 0.00099 within the Non-Finnish European subpopulation in the gnomAD database. The observed variant frequency within Non-Finnish European control individuals in the gnomAD database exceeds the estimated maximal expected allele frequency for disease-causing variants in TMEM43, strongly suggesting that the variant is a benign polymorphism found primarily in populations of Non-Finnish European origin. c.424G>A has been observed in individuals affected with Arrhythmogenic Right Ventricular Dysplasia/Cardiomyopathy, without strong evidence for causality (Haywood_2013, Baskin_2013, Donate Puertas_2018, Begay_2016, van Lint_2019) and has also been reported in the homozygous state in an unaffected control individual (Haywood_2013). These reports do not provide unequivocal conclusions about association of the variant with Arrhythmogenic Right Ventricular Dysplasia/Cardiomyopathy. To our knowledge, no experimental evidence demonstrating an impact on protein function has been reported. The following publications have been ascertained in the context of this evaluation (PMID: 23812740, 28008423, 30276209, 23161701, 30847666). ClinVar contains an entry for this variant (Variation ID: 46147). Based on the evidence outlined above, the variant was classified as likely benign.

Molecular Diagnostic Laboratory for Inherited Cardiovascular Disease, Montreal Heart Institute
Classification: Likely benign. Last evaluated: 2025-04-09. Review status: criteria provided, single submitter. Criteria: ACMG Guidelines, 2015. Collection method: clinical testing. Allele origin: germline. Affected: no.

Revvity Omics, Revvity
Classification: Uncertain significance. Last evaluated: 2025-03-28. Review status: criteria provided, single submitter. Criteria: ACMG Guidelines, 2015. Collection method: clinical testing. Allele origin: germline.

Blueprint Genetics
Classification: Likely benign. Last evaluated: 2024-10-29. Review status: criteria provided, single submitter. Criteria: ACMG Guidelines, 2015. Collection method: clinical testing. Allele origin: germline.

Ambry Genetics
Classification: Likely benign for Cardiovascular phenotype. Last evaluated: 2023-05-25. Review status: criteria provided, single submitter. Criteria: Ambry Variant Classification Scheme 2023. Collection method: clinical testing. Allele origin: germline.

GeneDx
Classification: Likely benign. Last evaluated: 2021-07-21. Review status: criteria provided, single submitter. Criteria: GeneDx Variant Classification Process June 2021. Collection method: clinical testing. Allele origin: germline. Affected: yes.
Comment: In silico analysis supports that this missense variant has a deleterious effect on protein structure/function; This variant is associated with the following publications: (PMID: 27153395, 23812740, 23161701, 24598986, 23861362, 30276209, 30847666, 31402444)

Color Diagnostics, LLC DBA Color Health
Classification: Likely benign for Cardiomyopathy. Last evaluated: 2019-11-05. Review status: criteria provided, single submitter. Criteria: ACMG Guidelines, 2015. Collection method: clinical testing. Allele origin: germline.

Laboratory for Molecular Medicine, Mass General Brigham Personalized Medicine
Classification: Uncertain significance. Last evaluated: 2015-04-10. Review status: criteria provided, single submitter. Criteria: LMM Criteria. Collection method: clinical testing. Allele origin: germline. Observed: 3 variant alleles.
Comment: Variant classified as Uncertain Significance - Favor Benign. In addition, this variant has been identified in 0.1% (49/66 614) of European chromosomes by the Exome Aggregation Consortium (ExAC; dbSNP rs145619906) and was also identified in 1 homozygo us reportedly healthy control individual (Haywood 2013). Computational predictio n tools and conservation analysis suggest that this variant may impact the prote in, though this information is not predictive enough to determine pathogenicity. In summary, while the clinical significance of the p.Glu142Lys variant is uncer tain, the frequency of this variant and its presence in an unaffected homozygous control individual suggests that it is more likely to be benign.

Biesecker Lab/Clinical Genomics Section, National Institutes of Health
Classification: Likely benign. Last evaluated: 2013-06-24. Review status: criteria provided, single submitter. Criteria: Ng et al. (Circ Cardiovasc Genet. 2013). Collection method: research. Allele origin: unknown. Observed: 1 variant allele. Study: ClinSeq.
Comment: The study set was not selected for affection status in relation to any cancer. Pathogenicity categories were based on literature curation. See Pubmed ID:23861362 for details.

Medical sequencing

PreventionGenetics, part of Exact Sciences
Classification: Likely benign for TMEM43-related condition. Last evaluated: 2023-01-27. Review status: no assertion criteria provided. Collection method: clinical testing. Allele origin: germline. Not counted in ClinVar's aggregate classification.
Comment: This variant is classified as likely benign based on ACMG/AMP sequence variant interpretation guidelines (Richards et al. 2015 PMID: 25741868, with internal and published modifications).

Clinical Genetics DNA and cytogenetics Diagnostics Lab, Erasmus MC, Erasmus Medical Center
Classification: Likely benign. Review status: no assertion criteria provided. Collection method: clinical testing. Allele origin: germline. Affected: yes. Study: VKGL Data-share Consensus. Not counted in ClinVar's aggregate classification.

Clinical Genetics, Academic Medical Center
Classification: Likely benign. Review status: no assertion criteria provided. Collection method: clinical testing. Allele origin: germline. Affected: yes. Study: VKGL Data-share Consensus. Not counted in ClinVar's aggregate classification.

Diagnostic Laboratory, Department of Genetics, University Medical Center Groningen
Classification: Likely benign. Review status: no assertion criteria provided. Collection method: clinical testing. Allele origin: germline. Affected: yes. Study: VKGL Data-share Consensus. Not counted in ClinVar's aggregate classification.

Genome Diagnostics Laboratory, University Medical Center Utrecht
Classification: Likely benign. Review status: no assertion criteria provided. Collection method: clinical testing. Allele origin: germline. Affected: yes. Study: VKGL Data-share Consensus. Not counted in ClinVar's aggregate classification.

Joint Genome Diagnostic Labs from Nijmegen and Maastricht, Radboudumc and MUMC+
Classification: Likely benign. Review status: no assertion criteria provided. Collection method: clinical testing. Allele origin: germline. Affected: yes. Study: VKGL Data-share Consensus. Not counted in ClinVar's aggregate classification.

Literature cited by the submitters: PubMed 23161701 (cited by Women's Health and Genetics/Laboratory Corporation of America, LabCorp and Laboratory for Molecular Medicine, Mass General Brigham Personalized Medicine); PubMed 23812740 (cited by Women's Health and Genetics/Laboratory Corporation of America, LabCorp and Laboratory for Molecular Medicine, Mass General Brigham Personalized Medicine); PubMed 30847666 (cited by Women's Health and Genetics/Laboratory Corporation of America, LabCorp); PubMed 30276209 (cited by Women's Health and Genetics/Laboratory Corporation of America, LabCorp); PubMed 28008423 (cited by Women's Health and Genetics/Laboratory Corporation of America, LabCorp).